The following is an entry in ClinVar:

NM_001291303.3(FAT4):c.9703G>A (p.Val3235Ile)

Gene: FAT4 (FAT atypical cadherin 4; plus strand). Cytogenetic location: 4q28.1.
Variant type: single nucleotide variant.
Coding change: c.9703G>A on transcript NM_001291303.3 (MANE Select); coding-DNA position 9703, G replaced by A.
Protein change: p.Val3235Ile; replaces valine 3235 with isoleucine.
Molecular consequence: missense variant.
Genome position (GRCh38, 1-based): chr4:125,450,713, G>A. VCF-style: chr4-125450713-G-A. GRCh37 (hg19) VCF-style: chr4-126371868-G-A.
Other names: c.9703G>A, p.Val3235Ile (NM_001291285.3); c.9697G>A, p.Val3233Ile (NM_024582.6); short protein forms V3233I, V3235I.
Identifiers: ClinVar variation 2833758 (VCV002833758.3), dbSNP rs1034963119, ClinGen allele CA104881949.

ClinVar aggregate classification (germline): Uncertain significance (1 of 4 stars; one submission).

Submission:

Labcorp Genetics (formerly Invitae), Labcorp
Classification: Uncertain significance. Last evaluated: 2026-01-26. Review status: criteria provided, single submitter. Criteria: Invitae Variant Classification Sherloc (09022015). Collection method: clinical testing. Allele origin: germline.
Comment: This sequence change replaces valine, which is neutral and non-polar, with isoleucine, which is neutral and non-polar, at codon 3233 of the FAT4 protein (p.Val3233Ile). This variant is not present in population databases (gnomAD no frequency). This variant has not been reported in the literature in individuals affected with FAT4-related conditions. ClinVar contains an entry for this variant (Variation ID: 2833758). Invitae Evidence Modeling of protein sequence and biophysical properties (such as structural, functional, and spatial information, amino acid conservation, physicochemical variation, residue mobility, and thermodynamic stability) indicates that this missense variant is not expected to disrupt FAT4 protein function with a negative predictive value of 80%. In summary, the available evidence is currently insufficient to determine the role of this variant in disease. Therefore, it has been classified as a Variant of Uncertain Significance.